The following is an entry in ClinVar:

ClinVar aggregate classification (germline): Uncertain significance (1 of 4 stars; one submission).

Submission:

Labcorp Genetics (formerly Invitae), Labcorp
Classification: Uncertain significance. Last evaluated: 2022-08-23. Review status: criteria provided, single submitter. Criteria: Invitae Variant Classification Sherloc (09022015). Collection method: clinical testing. Allele origin: germline.
Comment: This sequence change replaces alanine, which is neutral and non-polar, with glycine, which is neutral and non-polar, at codon 779 of the CAD protein (p.Ala779Gly). This variant is not present in population databases (gnomAD no frequency). This variant has not been reported in the literature in individuals affected with CAD-related conditions. Algorithms developed to predict the effect of missense changes on protein structure and function are either unavailable or do not agree on the potential impact of this missense change (SIFT: "Deleterious"; PolyPhen-2: "Benign"; Align-GVGD: "Class C0"). In summary, the available evidence is currently insufficient to determine the role of this variant in disease. Therefore, it has been classified as a Variant of Uncertain Significance.

NM_004341.5(CAD):c.2336C>G (p.Ala779Gly)

Genes: CAD (carbamoyl-phosphate synthetase 2, aspartate transcarbamylase, and dihydroorotase; plus strand), LOC126806171 (BRD4-independent group 4 enhancer GRCh37_chr2:27454350-27455549; plus strand). Cytogenetic location: 2p23.3.
Variant type: single nucleotide variant.
Coding change: c.2336C>G on transcript NM_004341.5 (MANE Select); coding-DNA position 2336, C replaced by G.
Protein change: p.Ala779Gly; replaces alanine 779 with glycine.
Molecular consequence: missense variant.
Genome position (GRCh38, 1-based): chr2:27,231,516, C>G. VCF-style: chr2-27231516-C-G. GRCh37 (hg19) VCF-style: chr2-27454384-C-G.
Other names: c.2147C>G, p.Ala716Gly (NM_001306079.2); short protein forms A779G, A716G.
Identifiers: ClinVar variation 2123605 (VCV002123605.1), dbSNP rs2465322687, ClinGen allele CA346210006.
Genomic context (GRCh38, chr2:27,231,516, plus strand): 5'-CTGTTCTTCCAGGTGAAGTCATGGGCATTGGGCGTTCATTTGAGGAGGCCTTCCAGAAGG[C>G]CCTGCGCATGGTGGATGAGAACTGTGTGGGCTTTGATCACACAGTGAAACCAGTCAGCGA-3'
Protein context (NP_004332.2, residues 769-789): GRSFEEAFQK[Ala779Gly]LRMVDENCVG